The following is an entry in ClinVar:

ClinVar aggregate classification (germline): Conflicting classifications of pathogenicity. Review status: criteria provided, conflicting classifications (1 of 4 stars). 8 submissions from 7 submitters: Uncertain significance (7); Benign (1). Last evaluated 2025-12-03.

Conditions:
Papillary renal cell carcinoma type 1 (RCCP1). Also called: RENAL CELL CARCINOMA, PAPILLARY, 1, SOMATIC; Renal adenocarcinoma; Renal cell carcinoma 1; Renal cell carcinoma, somatic. Identifiers: Orphanet 47044, MedGen C1336839, OMIM 605074, HP:0011797.
Autosomal recessive nonsyndromic hearing loss 97. Also called: Deafness, autosomal recessive 97. Identifiers: Orphanet 90636, MedGen C4084709, MONDO:0014739, OMIM 616705.
Arthrogryposis, distal, IIa 11. Also called: Arthrogryposis, distal, type 11. Identifiers: MedGen C5774205, MONDO:0031045, OMIM 620019.
Osteofibrous dysplasia (OSFD). Also called: Tibia, bowing of, with pseudarthrosis and pectus excavatum. Identifiers: Orphanet 488265, MedGen C4085248, MONDO:0011806, OMIM 607278.
Hepatocellular carcinoma (HCC). Also called: Primary carcinoma of liver; HEPATOMA; LIVER CELL CARCINOMA. Identifiers: Orphanet 88673, MedGen C2239176, MONDO:0007256, OMIM 114550, HP:0001402.
MET-related disorder. Also called: MET-related condition.
Renal cell carcinoma. Identifiers: Orphanet 217071, MedGen C0007134, MeSH D002292, MONDO:0005086, HP:0005584.
Hereditary cancer-predisposing syndrome. Also called: Neoplastic Syndromes, Hereditary; Hereditary Cancer Syndrome; Tumor predisposition; Hereditary neoplastic syndrome. Identifiers: Orphanet 140162, MedGen C0027672, MeSH D009386, MONDO:0015356.

Allele frequency attached by ClinVar (database versions not stated): gnomAD 0.00001; gnomAD exomes 0.00001 and 0.00002; TOPMed 0.00001; ExAC 0.00002.
gnomAD v4.1: 9 of 1,614,052 alleles (0.00056%); highest among the groups gnomAD compares: Admixed American, 0.015%; no homozygotes.

Submissions (8):

Labcorp Genetics (formerly Invitae), Labcorp
Classification: Uncertain significance for Renal cell carcinoma. Last evaluated: 2025-12-03. Review status: criteria provided, single submitter. Criteria: Invitae Variant Classification Sherloc (09022015). Collection method: clinical testing. Allele origin: germline.
Comment: This sequence change replaces histidine, which is basic and polar, with tyrosine, which is neutral and polar, at codon 484 of the MET protein (p.His484Tyr). The frequency data for this variant in the population databases is considered unreliable, as metrics indicate poor data quality at this position in the gnomAD database. This variant has not been reported in the literature in individuals affected with MET-related conditions. ClinVar contains an entry for this variant (Variation ID: 848962). Invitae Evidence Modeling of protein sequence and biophysical properties (such as structural, functional, and spatial information, amino acid conservation, physicochemical variation, residue mobility, and thermodynamic stability) indicates that this missense variant is not expected to disrupt MET protein function with a negative predictive value of 80%. In summary, the available evidence is currently insufficient to determine the role of this variant in disease. Therefore, it has been classified as a Variant of Uncertain Significance.

PreventionGenetics, part of Exact Sciences
Classification: Uncertain significance for MET-related condition. Last evaluated: 2025-10-08. Review status: criteria provided, single submitter. Criteria: ACMG Guidelines, 2015. Collection method: clinical testing. Allele origin: germline.
Comment: The MET c.1450C>T variant is predicted to result in the amino acid substitution p.His484Tyr. To our knowledge, this variant has not been reported in the literature. This variant is reported in 0.020% of alleles in individuals of Latino descent in gnomAD. At this time, the clinical significance of this variant is uncertain due to the absence of conclusive functional and genetic evidence.

ARUP Laboratories, Molecular Genetics and Genomics, ARUP Laboratories
Classification: Uncertain significance. Last evaluated: 2025-04-14. Review status: criteria provided, single submitter. Criteria: ARUP Molecular Germline Variant Investigation Process 2024. Collection method: clinical testing. Allele origin: germline.
Comment: The MET c.1450C>T; p.His484Tyr variant (rs771272439), to our knowledge, is not reported in the medical literature but is reported in ClinVar (Variation ID: 848962). This variant is found in the Admixed American population with an allele frequency of 0.02% (7/35,372 alleles) in the Genome Aggregation Database (v2.1.1). Computational analyses predict that this variant is neutral (REVEL: 0.149). Due to limited information, the clinical significance of this variant is uncertain at this time.

GeneDx
Classification: Uncertain significance. Last evaluated: 2025-04-01. Review status: criteria provided, single submitter. Criteria: GeneDx Variant Classification Process June 2021. Collection method: clinical testing. Allele origin: germline. Affected: yes.
Comment: In silico analysis indicates that this missense variant does not alter protein structure/function; Has not been previously published as pathogenic or benign to our knowledge

Fulgent Genetics
Classification: Uncertain significance for Hepatocellular carcinoma; Papillary renal cell carcinoma type 1; Osteofibrous dysplasia; Autosomal recessive nonsyndromic hearing loss 97; Arthrogryposis, distal, IIa 11. Last evaluated: 2024-06-21. Review status: criteria provided, single submitter. Criteria: ACMG Guidelines, 2015. Collection method: clinical testing. Allele origin: germline.

Ambry Genetics
Classification: Benign for Hereditary cancer-predisposing syndrome. Last evaluated: 2024-05-24. Review status: criteria provided, single submitter. Criteria: Ambry Variant Classification Scheme 2023. Collection method: clinical testing. Allele origin: germline.

Baylor Genetics
Classification: Uncertain significance for Autosomal recessive nonsyndromic hearing loss 97. Last evaluated: 2023-10-31. Review status: criteria provided, single submitter. Criteria: ACMG Guidelines, 2015. Collection method: clinical testing. Allele origin: unknown.

Baylor Genetics
Classification: Uncertain significance for Papillary renal cell carcinoma type 1. Last evaluated: 2020-01-07. Review status: criteria provided, single submitter. Criteria: ACMG Guidelines, 2015. Collection method: clinical testing. Allele origin: maternal. Affected: yes. Study: CSER-TexasKidsCanSeq.
Comment: This variant was determined to be of uncertain significance according to ACMG Guidelines, 2015 [PMID:25741868].

NM_000245.4(MET):c.1450C>T (p.His484Tyr)

Gene: MET (MET proto-oncogene, receptor tyrosine kinase; plus strand). Cytogenetic location: 7q31.2.
Variant type: single nucleotide variant.
Coding change: c.1450C>T on transcript NM_000245.4 (MANE Select); coding-DNA position 1450, C replaced by T.
Protein change: p.His484Tyr; replaces histidine 484 with tyrosine.
Molecular consequence: missense variant.
Genome position (GRCh38, 1-based): chr7:116,740,007, C>T. VCF-style: chr7-116740007-C-T. GRCh37 (hg19) VCF-style: chr7-116380061-C-T.
Other names: c.1450C>T, p.His484Tyr (NM_001127500.3, NM_001324401.3); c.160C>T, p.His54Tyr (NM_001324402.2); short protein forms H484Y, H54Y.
Identifiers: ClinVar variation 848962 (VCV000848962.17), dbSNP rs771272439, ClinGen allele CA4448163.